The following is an entry in ClinVar:

ClinVar aggregate classification (germline): Uncertain significance. Review status: criteria provided, multiple submitters, no conflicts (2 of 4 stars). 4 submissions from 4 submitters: Uncertain significance (4). Last evaluated 2023-12-18.

Conditions:
Inborn genetic diseases. Identifiers: MedGen C0950123, MeSH D030342.
Immunodeficiency 18 (IMD18). Also called: CD3-EPSILON DEFICIENCY; CD3epsilon deficiency. Identifiers: MedGen C3810127, MONDO:0014278, OMIM 615615.

Allele frequency attached by ClinVar (database versions not stated): gnomAD 0.00004 and 0.00005; gnomAD exomes 0.00004 and 0.00006; ExAC 0.00007; TOPMed 0.00008.
gnomAD v4.1: 71 of 1,612,954 alleles (0.0044%); highest among the groups gnomAD compares: South Asian, 0.0044%; no homozygotes.

Submissions (4):

Blueprint Genetics
Classification: Uncertain significance. Last evaluated: 2023-12-18. Review status: criteria provided, single submitter. Criteria: ACMG Guidelines, 2015. Collection method: clinical testing. Allele origin: germline.

Department of Pathology and Laboratory Medicine, Sinai Health System
Classification: Uncertain significance for Immunodeficiency 18. Last evaluated: 2023-02-22. Review status: criteria provided, single submitter. Criteria: ACMG Guidelines, 2015. Collection method: research. Allele origin: germline.

Ambry Genetics
Classification: Uncertain significance for Inborn genetic diseases. Last evaluated: 2022-07-26. Review status: criteria provided, single submitter. Criteria: Ambry Variant Classification Scheme 2023. Collection method: clinical testing. Allele origin: germline.

Labcorp Genetics (formerly Invitae), Labcorp
Classification: Uncertain significance for Immunodeficiency 18. Last evaluated: 2022-06-04. Review status: criteria provided, single submitter. Criteria: Invitae Variant Classification Sherloc (09022015). Collection method: clinical testing. Allele origin: germline.
Comment: This sequence change replaces arginine, which is basic and polar, with glutamine, which is neutral and polar, at codon 192 of the CD3E protein (p.Arg192Gln). This variant is present in population databases (rs202052957, gnomAD 0.05%). This variant has not been reported in the literature in individuals affected with CD3E-related conditions. ClinVar contains an entry for this variant (Variation ID: 646469). Algorithms developed to predict the effect of missense changes on protein structure and function (SIFT, PolyPhen-2, Align-GVGD) all suggest that this variant is likely to be disruptive. Algorithms developed to predict the effect of sequence changes on RNA splicing suggest that this variant may create or strengthen a splice site. In summary, the available evidence is currently insufficient to determine the role of this variant in disease. Therefore, it has been classified as a Variant of Uncertain Significance.

NM_000733.4(CD3E):c.575G>A (p.Arg192Gln)

Gene: CD3E (CD3 epsilon subunit of T-cell receptor complex; plus strand). Cytogenetic location: 11q23.3.
Variant type: single nucleotide variant.
Coding change: c.575G>A on transcript NM_000733.4 (MANE Select); coding-DNA position 575, G replaced by A.
Protein change: p.Arg192Gln; replaces arginine 192 with glutamine.
Molecular consequence: missense variant.
Genome position (GRCh38, 1-based): chr11:118,315,493, G>A. VCF-style: chr11-118315493-G-A. GRCh37 (hg19) VCF-style: chr11-118186208-G-A.
Other names: short protein forms R192Q.
Identifiers: ClinVar variation 646469 (VCV000646469.8), dbSNP rs202052957, ClinGen allele CA6301810.